The following is an entry in ClinVar:

ClinVar aggregate classification (germline): Uncertain significance (1 of 4 stars; one submission).

Conditions:
Charcot-Marie-Tooth disease axonal type 2O. Also called: CHARCOT-MARIE-TOOTH NEUROPATHY, AXONAL, TYPE 2O; CHARCOT-MARIE-TOOTH DISEASE, AXONAL, AUTOSOMAL DOMINANT, TYPE 2O; Charcot-Marie-Tooth Neuropathy Type 2O; Charcot-Marie-Tooth disease, axonal, type 20. Identifiers: Orphanet 284232, MedGen C3280220, MONDO:0013644, OMIM 614228.

Submission:

Labcorp Genetics (formerly Invitae), Labcorp
Classification: Uncertain significance for Charcot-Marie-Tooth disease axonal type 2O. Last evaluated: 2022-09-07. Review status: criteria provided, single submitter. Criteria: Invitae Variant Classification Sherloc (09022015). Collection method: clinical testing. Allele origin: germline.
Comment: This variant has not been reported in the literature in individuals affected with DYNC1H1-related conditions. This variant is not present in population databases (gnomAD no frequency). This sequence change replaces valine, which is neutral and non-polar, with methionine, which is neutral and non-polar, at codon 3285 of the DYNC1H1 protein (p.Val3285Met). ClinVar contains an entry for this variant (Variation ID: 1004975). In summary, the available evidence is currently insufficient to determine the role of this variant in disease. Therefore, it has been classified as a Variant of Uncertain Significance. Algorithms developed to predict the effect of missense changes on protein structure and function are either unavailable or do not agree on the potential impact of this missense change (SIFT: "Deleterious"; PolyPhen-2: "Probably Damaging"; Align-GVGD: "Class C15").

NM_001376.5(DYNC1H1):c.9853G>A (p.Val3285Met)

Gene: DYNC1H1 (dynein cytoplasmic 1 heavy chain 1; plus strand). Cytogenetic location: 14q32.31.
Variant type: single nucleotide variant.
Coding change: c.9853G>A on transcript NM_001376.5 (MANE Select); coding-DNA position 9853, G replaced by A.
Protein change: p.Val3285Met; replaces valine 3285 with methionine.
Molecular consequence: missense variant.
Genome position (GRCh38, 1-based): chr14:102,030,252, G>A. VCF-style: chr14-102030252-G-A. GRCh37 (hg19) VCF-style: chr14-102496589-G-A.
Other names: short protein forms V3285M.
Identifiers: ClinVar variation 1004975 (VCV001004975.10), dbSNP rs2048495282, ClinGen allele CA391018430.
Genomic context (GRCh38, chr14:102,030,252, plus strand): 5'-CATAAGCAGCAGGAGGTAATTGCAGACAAACAGATGAGTGTCAAAGAAGATCTTGATAAG[G>A]TGGAACCTGCCGTCATTGAGGCCCAGAATGGTATGTAAAGACTGTCAGAGCTTTGATGTC-3'
Protein context (NP_001367.2, residues 3275-3295): QMSVKEDLDK[Val3285Met]EPAVIEAQNA